The following is an entry in ClinVar:

NM_004360.5(CDH1):c.1170C>T (p.Asn390=)

Gene: CDH1 (cadherin 1; plus strand). Cytogenetic location: 16q22.1.
Variant type: single nucleotide variant.
Coding change: c.1170C>T on transcript NM_004360.5 (MANE Select); coding-DNA position 1170, C replaced by T.
Protein change: p.Asn390=; no amino-acid change (asparagine 390 retained).
Molecular consequence: synonymous variant. On other transcripts: 5 prime UTR variant (2), intron variant (1).
Genome position (GRCh38, 1-based): chr16:68,813,345, C>T. VCF-style: chr16-68813345-C-T. GRCh37 (hg19) VCF-style: chr16-68847248-C-T.
Other names: NM_004360.5(CDH1):c.1170C>T; p.Asn390=; c.1170C>T (LRG_301t1); c.-446C>T (NM_001317185.2); c.-650C>T (NM_001317186.2); c.1137+1082C>T (NM_001317184.2).
Identifiers: ClinVar variation 184069 (VCV000184069.29), dbSNP rs766505270, ClinGen allele CA187687.

ClinVar aggregate classification (germline): Likely benign. Review status: reviewed by expert panel (3 of 4 stars). 11 submissions from 11 submitters: Likely benign (1). 10 of the submissions do not count toward it. Last evaluated 2023-09-25.

Conditions:
CDH1-related diffuse gastric and lobular breast cancer syndrome. Also called: CDH1-related diffuse gastric and lobular breast cancer. Identifiers: MedGen CN311521, MONDO:0100488.
Hereditary cancer-predisposing syndrome. Also called: Tumor predisposition; Hereditary Cancer Syndrome; Hereditary neoplastic syndrome; Neoplastic Syndromes, Hereditary. Identifiers: Orphanet 140162, MedGen C0027672, MeSH D009386, MONDO:0015356.
Hereditary diffuse gastric adenocarcinoma (HDGC). Also called: DIFFUSE GASTRIC AND LOBULAR BREAST CANCER SYNDROME. Identifiers: Orphanet 26106, MedGen C1708349, MONDO:0007648, OMIM 137215.
Malignant tumor of breast. Also called: Cancer breast; Malignant breast neoplasm. Identifiers: MedGen C0006142, MONDO:0007254. Disease mechanism: loss of function.

Allele frequency attached by ClinVar (database versions not stated): gnomAD exomes below 0.00001; TOPMed below 0.00001; ExAC 0.00001.
gnomAD v4.1: 25 of 1,614,164 alleles (0.0015%); highest among the groups gnomAD compares: East Asian, 0.02%; no homozygotes.

Submissions (11):

Clingen Gastric Cancer Variant Curation Expert Panel
Classification: Likely benign for CDH1-related diffuse gastric and lobular breast cancer syndrome. Last evaluated: 2023-09-25. Review status: reviewed by expert panel. Criteria: ClinGen CDH1 ACMG Specifications V3.1. Collection method: curation. Allele origin: germline. Inheritance: Autosomal dominant inheritance.
Comment: The c.1170C>T (p.Asn390=) variant results in a synonymous change in exon 9 of CDH1. This is a silent variant that occurs at a position that is not highly conserved and for which splicing predictors do not suggest an impact on splicing (BP4, BP7). This variant is absent from the gnomAD population database v3.1.2. This variant was identified in 70 individuals without DGC, LBC, SRC tumours and whose families do not suggest HDGC (BS2; PMID: 30287823, 36436516, and internal laboratory contributors). In summary, this variant is classified as likely benign based on ACMG/AMP criteria applied as likely benign specified by the CDH1 Variant Curation Expert Panel: BS2, BP4, BP7.

Labcorp Genetics (formerly Invitae), Labcorp
Classification: Likely benign for Hereditary diffuse gastric adenocarcinoma. Last evaluated: 2026-01-18. Review status: criteria provided, single submitter. Criteria: Invitae Variant Classification Sherloc (09022015). Collection method: clinical testing. Allele origin: germline. Not counted in ClinVar's aggregate classification.

Myriad Genetics, Inc.
Classification: Benign for Hereditary diffuse gastric adenocarcinoma. Last evaluated: 2024-09-18. Review status: criteria provided, single submitter. Criteria: Myriad Autosomal Dominant, Autosomal Recessive and X-Linked Classification Criteria (2023). Collection method: clinical testing. Allele origin: unknown. Not counted in ClinVar's aggregate classification.
Comment: This variant is considered benign. This variant is a silent/synonymous amino acid change and it is not expected to impact splicing.

European Reference Network on Genetic Tumour Risk Syndromes (ERN-GENTURIS), i3s - Instituto de Investigação e Inovação em Saúde, University of Porto
Classification: Uncertain significance for Hereditary diffuse gastric adenocarcinoma. Last evaluated: 2022-08-01. Review status: criteria provided, single submitter. Criteria: Lee et al. (Hum Mutat. 2018). Collection method: clinical testing. Allele origin: germline. Inheritance: Autosomal dominant inheritance. Affected: no. Study: ERN GENTURIS. Not counted in ClinVar's aggregate classification.
Comment: PM2 (PMID: 30311375)

GeneDx
Classification: Likely benign. Last evaluated: 2020-10-14. Review status: criteria provided, single submitter. Criteria: GeneDx Variant Classification Process June 2021. Collection method: clinical testing. Allele origin: germline. Affected: yes. Not counted in ClinVar's aggregate classification.

Women's Health and Genetics/Laboratory Corporation of America, LabCorp
Classification: Likely benign. Last evaluated: 2020-01-31. Review status: criteria provided, single submitter. Criteria: LabCorp Variant Classification Summary - May 2015. Collection method: clinical testing. Allele origin: germline. Not counted in ClinVar's aggregate classification.

Quest Diagnostics Nichols Institute San Juan Capistrano
Classification: Likely benign. Last evaluated: 2020-01-20. Review status: criteria provided, single submitter. Criteria: Quest Diagnostics criteria. Collection method: clinical testing. Allele origin: unknown. Not counted in ClinVar's aggregate classification.

Illumina Laboratory Services, Illumina
Classification: Uncertain significance for Hereditary diffuse gastric adenocarcinoma. Last evaluated: 2018-01-13. Review status: criteria provided, single submitter. Criteria: ICSL Variant Classification Criteria 13 December 2019. Collection method: clinical testing. Allele origin: germline. Not counted in ClinVar's aggregate classification.

Color Diagnostics, LLC DBA Color Health
Classification: Likely benign for Hereditary cancer-predisposing syndrome. Last evaluated: 2016-02-25. Review status: criteria provided, single submitter. Criteria: ACMG Guidelines, 2015. Collection method: clinical testing. Allele origin: germline. Not counted in ClinVar's aggregate classification.

Ambry Genetics
Classification: Likely benign for Hereditary cancer-predisposing syndrome. Last evaluated: 2015-07-01. Review status: criteria provided, single submitter. Criteria: Ambry Variant Classification Scheme 2023. Collection method: clinical testing. Allele origin: germline. Not counted in ClinVar's aggregate classification.

Department of Pathology and Laboratory Medicine, Sinai Health System
Classification: Likely benign for Malignant tumor of breast. Review status: no assertion criteria provided. Collection method: clinical testing. Allele origin: unknown. Affected: yes. Study: The Canadian Open Genetics Repository (COGR). Not counted in ClinVar's aggregate classification.
Comment: The CDH1 p.Asn390= variant was not identified in the literature nor was it identified in the Cosmic, MutDB, Insight Colon Cancer Gene Variant Database, and Zhejiang Colon Cancer Database. The variant was identified in dbSNP (ID: rs766505270) as â€šÃ„ÃºWith other alleleâ€šÃ„Ã¹, ClinVar (as likely benign by Ambry Genetics, Invitae, and GeneDx, and as uncertain significance by Illumina), and in Clinvitae databases. The variant was identified in control databases in 2 of 246248 chromosomes at a frequency of 0.000008 in the following populations: East Asian in 1 of 17248 chromosomes (freq. 0.00006) and European (Non-Finnish) in 1 of 111702 chromosomes (freq. 0.000009), increasing the likelihood that this may be a low frequency benign variant in certain populations of origin (Genome Aggregation Consortium Feb 27, 2017). The p.Asn390= variant is not expected to have clinical significance because it does not result in a change of amino acid and is not located in a known consensus splice site. In addition, in silico or computational prediction software programs (SpliceSiteFinder, MaxEntScan, NNSPLICE, GeneSplicer, HumanSpliceFinder) do not predict a difference in splicing. In summary, based on the above information the clinical significance of this variant cannot be determined with certainty at this time although we would lean towards a more benign role for this variant. This variant is classified as likely benign.

Literature cited by the submitters: PubMed 36436516 (cited by European Reference Network on Genetic Tumour Risk Syndromes (ERN-GENTURIS), i3s - Instituto de Investigação e Inovação em Saúde, University of Porto).